The following is an entry in ClinVar:

NM_000132.4(F8):c.2727A>G (p.Pro909=)

Gene: F8 (coagulation factor VIII; minus strand). Cytogenetic location: Xq28.
Variant type: single nucleotide variant.
Coding change: c.2727A>G on transcript NM_000132.4 (MANE Select); coding-DNA position 2727, A replaced by G.
Protein change: p.Pro909=; no amino-acid change (proline 909 retained).
Molecular consequence: synonymous variant.
Genome position (GRCh38, 1-based): chrX:154,931,063, T>C on the plus strand (A>G on the coding strand, the complement: F8 is on the minus strand). VCF-style: chrX-154931063-T-C. GRCh37 (hg19) VCF-style: chrX-154159338-T-C.
Identifiers: ClinVar variation 2661869 (VCV002661869.24), dbSNP rs782300219, ClinGen allele CA10568293.

ClinVar aggregate classification (germline): Likely benign (1 of 4 stars; one submission).

Allele frequency attached by ClinVar (database versions not stated): TOPMed below 0.00001; ExAC 0.00001; gnomAD exomes 0.00002.
gnomAD v4.1: 25 of 1,199,494 alleles (0.0021%); highest among the groups gnomAD compares: Middle Eastern, 0.023%; no homozygotes.

Submission:

CeGaT Center for Human Genetics Tuebingen
Classification: Likely benign. Last evaluated: 2023-02-01. Review status: criteria provided, single submitter. Criteria: CeGaT Center For Human Genetics Tuebingen Variant Classification Criteria Version 2. Collection method: clinical testing. Allele origin: germline. Affected: yes. Observed: 1 variant allele.
Comment: F8: BP4, BP7